The following is an entry in ClinVar:

ClinVar aggregate classification (germline): Conflicting classifications of pathogenicity. Review status: criteria provided, conflicting classifications (1 of 4 stars). 8 submissions from 8 submitters: Uncertain significance (1); Benign (1); Likely benign (4). 2 of the submissions do not count toward it. Last evaluated 2026-01-13.

Conditions:
Retinitis pigmentosa (RP). Identifiers: Orphanet 791, MedGen C0035334, MeSH D012174, MONDO:0019200, OMIM 268000. Inheritance: Autosomal dominant, autosomal recessive and X linked inheritance.
Retinal dystrophy. Also called: Inherited retinal dystrophy. Identifiers: Orphanet 71862, MedGen C0854723, MeSH D058499, MONDO:0019118, HP:0000556.

Allele frequency attached by ClinVar (database versions not stated): ESP Exome Variant Server 0.00192; gnomAD 0.00203 and 0.00204; gnomAD exomes 0.00224; ExAC 0.00243; 1000 Genomes Project 30x 0.00078; 1000 Genomes Project 0.00100; TOPMed 0.00182.

Submissions (8):

Labcorp Genetics (formerly Invitae), Labcorp
Classification: Benign. Last evaluated: 2026-01-13. Review status: criteria provided, single submitter. Criteria: Invitae Variant Classification Sherloc (09022015). Collection method: clinical testing. Allele origin: germline.

CeGaT Center for Human Genetics Tuebingen
Classification: Likely benign. Last evaluated: 2025-11-01. Review status: criteria provided, single submitter. Criteria: CeGaT Center For Human Genetics Tuebingen Variant Classification Criteria Version 2. Collection method: clinical testing. Allele origin: germline. Affected: yes. Observed: 2 variant alleles.
Comment: RBP3: BP4, BP7

Blueprint Genetics
Classification: Likely benign. Last evaluated: 2024-11-22. Review status: criteria provided, single submitter. Criteria: ACMG Guidelines, 2015. Collection method: clinical testing. Allele origin: germline.

Dept Of Ophthalmology, Nagoya University
Classification: Likely benign for Retinal dystrophy. Last evaluated: 2023-10-01. Review status: criteria provided, single submitter. Criteria: Submitter's publication. Collection method: research. Allele origin: germline. Affected: yes.

Illumina Laboratory Services, Illumina
Classification: Uncertain significance for Retinitis pigmentosa. Last evaluated: 2017-04-27. Review status: criteria provided, single submitter. Criteria: ICSL Variant Classification Criteria 13 December 2019. Collection method: clinical testing. Allele origin: germline.
Comment: This variant was observed as part of a predisposition screen in an ostensibly healthy population. A literature search was performed for the gene, cDNA change, and amino acid change (where applicable). Publications were found based on this search. However, the evidence from the literature, in combination with allele frequency data from public databases where available, was not sufficient to rule this variant in or out of causing disease. Therefore, this variant is classified as a variant of unknown significance.

Eurofins Ntd Llc (ga)
Classification: Likely benign. Last evaluated: 2016-11-10. Review status: criteria provided, single submitter. Criteria: EGL Classification Definitions 2015. Collection method: clinical testing. Allele origin: germline. Observed: 1 variant allele, 1 heterozygote.

Clinical Genetics DNA and cytogenetics Diagnostics Lab, Erasmus MC, Erasmus Medical Center
Classification: Likely benign. Review status: no assertion criteria provided. Collection method: clinical testing. Allele origin: germline. Affected: yes. Study: VKGL Data-share Consensus. Not counted in ClinVar's aggregate classification.

Clinical Genetics, Academic Medical Center
Classification: Likely benign. Review status: no assertion criteria provided. Collection method: clinical testing. Allele origin: germline. Affected: yes. Study: VKGL Data-share Consensus. Not counted in ClinVar's aggregate classification.

Literature cited by the submitters: PubMed 19074801 (cited by Illumina Laboratory Services, Illumina).

NM_002900.3(RBP3):c.843C>T (p.Pro281=)

Gene: RBP3 (retinol binding protein 3; plus strand). Cytogenetic location: 10q11.22.
Variant type: single nucleotide variant.
Coding change: c.843C>T on transcript NM_002900.3 (MANE Select); coding-DNA position 843, C replaced by T.
Protein change: p.Pro281=; no amino-acid change (proline 281 retained).
Molecular consequence: synonymous variant.
Genome position (GRCh38, 1-based): chr10:47,349,327, C>T. VCF-style: chr10-47349327-C-T. GRCh37 (hg19) VCF-style: chr10-48390035-G-A.
Identifiers: ClinVar variation 498009 (VCV000498009.55), dbSNP rs35186791, ClinGen allele CA5487678.